The following is an entry in ClinVar:

ClinVar aggregate classification (germline): Conflicting classifications of pathogenicity. Review status: criteria provided, conflicting classifications (1 of 4 stars). 4 submissions from 4 submitters: Uncertain significance (1); Likely benign (3). Last evaluated 2025-09-30.

Conditions:
Facioscapulohumeral muscular dystrophy 2 (FSHD2). Also called: MUSCULAR DYSTROPHY, FACIOSCAPULOHUMERAL, TYPE 1B; FACIOSCAPULOHUMERAL MUSCULAR DYSTROPHY 2, DIGENIC; FSHD2, DIGENIC. Identifiers: Orphanet 269, MedGen C1834671, MONDO:0008031, OMIM 158901.

Allele frequency attached by ClinVar (database versions not stated): ExAC 0.00004; TOPMed 0.00005; gnomAD 0.00008; ESP Exome Variant Server 0.00009; gnomAD exomes 0.00012.
gnomAD v4.1: 179 of 1,607,706 alleles (0.011%); highest among the groups gnomAD compares: Non-Finnish European, 0.015%; no homozygotes.

Submissions (5):

Labcorp Genetics (formerly Invitae), Labcorp
Classification: Uncertain significance for Facioscapulohumeral muscular dystrophy 2. Last evaluated: 2025-09-30. Review status: criteria provided, single submitter. Criteria: Invitae Variant Classification Sherloc (09022015). Collection method: clinical testing. Allele origin: germline.
Comment: This sequence change replaces isoleucine, which is neutral and non-polar, with valine, which is neutral and non-polar, at codon 1083 of the SMCHD1 protein (p.Ile1083Val). This variant is present in population databases (rs199901577, gnomAD 0.01%). This variant has not been reported in the literature in individuals affected with SMCHD1-related conditions. ClinVar contains an entry for this variant (Variation ID: 2415432). Invitae Evidence Modeling of protein sequence and biophysical properties (such as structural, functional, and spatial information, amino acid conservation, physicochemical variation, residue mobility, and thermodynamic stability) indicates that this missense variant is not expected to disrupt SMCHD1 protein function with a negative predictive value of 80%. In summary, the available evidence is currently insufficient to determine the role of this variant in disease. Therefore, it has been classified as a Variant of Uncertain Significance.

Blueprint Genetics
Classification: Likely benign. Last evaluated: 2024-10-31. Review status: criteria provided, single submitter. Criteria: ACMG Guidelines, 2015. Collection method: clinical testing. Allele origin: germline.

CeGaT Center for Human Genetics Tuebingen
Classification: Likely benign. Last evaluated: 2023-11-01. Review status: criteria provided, single submitter. Criteria: CeGaT Center For Human Genetics Tuebingen Variant Classification Criteria Version 2. Collection method: clinical testing. Allele origin: germline. Affected: yes. Observed: 2 variant alleles.
Comment: SMCHD1: BP4, BS2

Mayo Clinic Laboratories, Mayo Clinic
Classification: Likely benign. Last evaluated: 2021-06-08. Review status: criteria provided, single submitter. Criteria: ACMG Guidelines, 2015. Collection method: clinical testing. Allele origin: germline. Observed: 1 variant allele.

Dr. Peter K. Rogan Lab, Western University
No classification provided (evidence only). Condition: Lung cancer. Review status: no classification provided. Collection method: in vitro. Allele origin: not applicable. Functional consequence: retained intron. Not counted in ClinVar's aggregate classification.

NM_015295.3(SMCHD1):c.3247A>G (p.Ile1083Val)

Gene: SMCHD1 (structural maintenance of chromosomes flexible hinge domain containing 1; plus strand). Cytogenetic location: 18p11.32.
Variant type: single nucleotide variant.
Coding change: c.3247A>G on transcript NM_015295.3 (MANE Select); coding-DNA position 3247, A replaced by G.
Protein change: p.Ile1083Val; replaces isoleucine 1083 with valine.
Molecular consequence: missense variant.
Genome position (GRCh38, 1-based): chr18:2,732,463, A>G. VCF-style: chr18-2732463-A-G. GRCh37 (hg19) VCF-style: chr18-2732461-A-G.
Other names: p.Ile1083Val; c.3247A>G (NM_015295.2); short protein forms I1083V.
Identifiers: ClinVar variation 2415432 (VCV002415432.33), dbSNP rs199901577, ClinGen allele CA8871154.